The following is an entry in ClinVar:

NM_004565.3(PEX14):c.233C>T (p.Ser78Leu)

Gene: PEX14 (peroxisomal biogenesis factor 14; plus strand). Cytogenetic location: 1p36.22.
Variant type: single nucleotide variant.
Coding change: c.233C>T on transcript NM_004565.3 (MANE Select); coding-DNA position 233, C replaced by T.
Protein change: p.Ser78Leu; replaces serine 78 with leucine.
Molecular consequence: missense variant.
Genome position (GRCh38, 1-based): chr1:10,599,301, C>T. VCF-style: chr1-10599301-C-T. GRCh37 (hg19) VCF-style: chr1-10659358-C-T.
Other names: short protein forms S78L.
Identifiers: ClinVar variation 875427 (VCV000875427.5), dbSNP rs778315559, ClinGen allele CA583759.

ClinVar aggregate classification (germline): Uncertain significance. Review status: criteria provided, multiple submitters, no conflicts (2 of 4 stars). 2 submissions from 2 submitters: Uncertain significance (2). Last evaluated 2022-02-11.

Conditions:
Peroxisome biogenesis disorder 13A (Zellweger). Also called: Peroxisome biogenesis disorder 13A. Identifiers: Orphanet 912, MedGen C3554004, MONDO:0013952, OMIM 614887.
Peroxisome biogenesis disorder, complementation group K (CGK). Identifiers: MedGen C1866257, MONDO:0800365.

Allele frequency attached by ClinVar (database versions not stated): gnomAD exomes below 0.00001; ExAC 0.00001; gnomAD 0.00001.
gnomAD v4.1: 6 of 1,613,954 alleles (0.00037%); highest among the groups gnomAD compares: African/African-American, 0.004%; no homozygotes.

Submissions (2):

Labcorp Genetics (formerly Invitae), Labcorp
Classification: Uncertain significance for Peroxisome biogenesis disorder, complementation group K. Last evaluated: 2022-02-11. Review status: criteria provided, single submitter. Criteria: Invitae Variant Classification Sherloc (09022015). Collection method: clinical testing. Allele origin: germline.
Comment: This sequence change replaces serine, which is neutral and polar, with leucine, which is neutral and non-polar, at codon 78 of the PEX14 protein (p.Ser78Leu). This variant is present in population databases (rs778315559, gnomAD 0.004%). This variant has not been reported in the literature in individuals affected with PEX14-related conditions. ClinVar contains an entry for this variant (Variation ID: 875427). Algorithms developed to predict the effect of missense changes on protein structure and function (SIFT, PolyPhen-2, Align-GVGD) all suggest that this variant is likely to be tolerated. In summary, the available evidence is currently insufficient to determine the role of this variant in disease. Therefore, it has been classified as a Variant of Uncertain Significance.

Illumina Laboratory Services, Illumina
Classification: Uncertain significance for Peroxisome biogenesis disorder 13A (Zellweger). Last evaluated: 2018-01-13. Review status: criteria provided, single submitter. Criteria: ICSL Variant Classification Criteria 13 December 2019. Collection method: clinical testing. Allele origin: germline.